The following is an entry in ClinVar:

ClinVar aggregate classification (germline): Pathogenic. Review status: criteria provided, multiple submitters, no conflicts (2 of 4 stars). 9 submissions from 9 submitters: Pathogenic (8). 1 of the submissions does not count toward it. Last evaluated 2025-11-24.

Conditions:
PEX6-related disorder. Also called: PEX6-related condition; PEX6-related disorders.
Zellweger spectrum disorders (ZS). Also called: Zellweger syndrome; Zellweger Spectrum Disorder (ZSD); Zellweger Spectrum Disorder; Zellweger Spectrum. Identifiers: Orphanet 912, MedGen C0043459, MONDO:0019609.
Heimler syndrome 2 (HMLR2). Also called: PEROXISOME BIOGENESIS DISORDER 4C. Identifiers: Orphanet 3220, MedGen C4225267, OMIM 616617, MONDO:0014709.
Peroxisome biogenesis disorder 4A (Zellweger) (PBD4A). Also called: Zellweger syndrome spectrum (PEX6-related). Identifiers: Orphanet 912, MedGen C3553936, MONDO:0013930, OMIM 614862. Disease mechanism: loss of function.
Peroxisome biogenesis disorder 4B (PBD4B). Also called: SPINOCEREBELLAR ATAXIA WITH BLINDNESS AND DEAFNESS 1. Identifiers: Orphanet 44, Orphanet 95433, MedGen C3553937, MONDO:0013931, OMIM 614863.
Peroxisome biogenesis disorder. Identifiers: Orphanet 79189, MedGen C1832200, MONDO:0019234. Disease mechanism: loss of function.

Submissions (9):

Natera, Inc.
Classification: Pathogenic for Zellweger syndrome. Last evaluated: 2025-11-24. Review status: criteria provided, single submitter. Criteria: Natera Variant Classification Schema (03/2026). Collection method: clinical testing. Allele origin: germline.
Comment: The c.2398_2417delATCTTCTTTGATGAACTGGAinsT variant in PEX6 is a frameshift variant predicted to shift the reading frame beginning at codon 800 and leads to a stop codon 16 codons downstream. This variant is expected to result in nonsense mediated decay, truncation, or a dysfunctional protein product. This variant is rare in the general population with a frequency below the threshold expected for the associated phenotype(s). This variant has been observed in one or more individuals affected with the associated recessive disease, as either homozygous or compound heterozygous with a second variant (PMID: 8670792). Given the available evidence, this variant is classified as Pathogenic.

Genetic Services Laboratory, University of Chicago
Classification: Pathogenic. Last evaluated: 2025-04-17. Review status: criteria provided, single submitter. Criteria: ACMG Guidelines, 2015. Collection method: clinical testing. Allele origin: germline.
Comment: The c.2398_2417delinsT variant: Is a 20 base pair deletion in exon 13. Results in an amino acid frameshift and creates a premature stop codon 15 amino acids downstream of the change, p.Ile800Serfs*16. Predicted to result in an abnormal transcript, which may be degraded, or may lead to the production of a truncated PEX6 protein with potentially abnormal function. Has been previously described in individuals with peroxisome biogenesis disorder (PBD) (PMID: 8670792, 19877282, 15542397). Loss-of-function variants in PEX6 have been reported in individuals with PBD or Zellweger Syndrome(PMID: 10408779, 21031596, 31831025). Reported in the gnomAD v4 database with a frequency of 0.021% in the African/African American subpopulation (dbSNP rs62653602). ClinVar contains an entry for this variant (Variation ID: 598162). Collectively this evidence indicates that this variant is pathogenic; however functional studies have not been performed to prove this conclusively.

Baylor Genetics
Classification: Pathogenic for Heimler syndrome 2. Last evaluated: 2024-02-21. Review status: criteria provided, single submitter. Criteria: ACMG Guidelines, 2015. Collection method: clinical testing. Allele origin: unknown.

Fulgent Genetics
Classification: Pathogenic for Peroxisome biogenesis disorder 4A (Zellweger); Peroxisome biogenesis disorder 4B; Heimler syndrome 2. Last evaluated: 2024-01-08. Review status: criteria provided, single submitter. Criteria: ACMG Guidelines, 2015. Collection method: clinical testing. Allele origin: germline.

Blueprint Genetics
Classification: Pathogenic for PEX6-related disorders. Last evaluated: 2023-10-06. Review status: criteria provided, single submitter. Criteria: ACMG Guidelines, 2015. Collection method: clinical testing. Allele origin: germline. Affected: yes. Observed: 2 variant alleles.

Labcorp Genetics (formerly Invitae), Labcorp
Classification: Pathogenic for Peroxisome biogenesis disorder. Last evaluated: 2023-08-17. Review status: criteria provided, single submitter. Criteria: Invitae Variant Classification Sherloc (09022015). Collection method: clinical testing. Allele origin: germline.
Comment: This sequence change creates a premature translational stop signal (p.Ile800Serfs*16) in the PEX6 gene. It is expected to result in an absent or disrupted protein product. Loss-of-function variants in PEX6 are known to be pathogenic (PMID: 10408779, 21031596, 31831025). This variant is not present in population databases (gnomAD no frequency). This premature translational stop signal has been observed in individual(s) with clinical features of Zellweger spectrum disorder (PMID: 8670792, 19877282). In at least one individual the data is consistent with being in trans (on the opposite chromosome) from a pathogenic variant. For these reasons, this variant has been classified as Pathogenic.

Women's Health and Genetics/Laboratory Corporation of America, LabCorp
Classification: Pathogenic for Peroxisome biogenesis disorder. Last evaluated: 2021-05-05. Review status: criteria provided, single submitter. Criteria: LabCorp Variant Classification Summary - May 2015. Collection method: clinical testing. Allele origin: germline.
Comment: Variant summary: PEX6 c.2398_2417delinsT (p.Ile800SerfsX16) results in a premature termination codon, predicted to cause a truncation of the encoded protein or absence of the protein due to nonsense mediated decay, which are commonly known mechanisms for disease. The variant was absent in 251688 control chromosomes (gnomAD and publication data). c.2398_2417delinsT has been reported in the literature in individuals affected with Peroxisome Biogenesis Disorder or Zellweger Syndrome (Yahraus_1996, Steinberg_2004, Ebberink_2010). These data indicate that the variant is likely to be associated with disease. To our knowledge, no experimental evidence demonstrating an impact on protein function has been reported. Two ClinVar submitters (evaluation after 2014) cite the variant as pathogenic. Based on the evidence outlined above, the variant was classified as pathogenic.

Eurofins Ntd Llc (ga)
Classification: Pathogenic. Last evaluated: 2018-07-24. Review status: criteria provided, single submitter. Criteria: EGL ClinVar v180209 classification definitions. Collection method: clinical testing. Allele origin: germline. Observed: 1 variant allele, 1 heterozygote.

OMIM
Classification: Pathogenic for PEROXISOME BIOGENESIS DISORDER 4A (ZELLWEGER). Last evaluated: 1996-06-17. Review status: no assertion criteria provided. Collection method: literature only. Allele origin: germline. Not counted in ClinVar's aggregate classification.

Literature cited by the submitters: PubMed 8670792 (cited by 4 submitters); PubMed 10408779 (cited by Labcorp Genetics (formerly Invitae), Labcorp); PubMed 21031596 (cited by Labcorp Genetics (formerly Invitae), Labcorp); PubMed 31831025 (cited by Labcorp Genetics (formerly Invitae), Labcorp); PubMed 19877282 (cited by Labcorp Genetics (formerly Invitae), Labcorp and Women's Health and Genetics/Laboratory Corporation of America, LabCorp); PubMed 15542397 (cited by Women's Health and Genetics/Laboratory Corporation of America, LabCorp); PubMed 32399598 (cited by Women's Health and Genetics/Laboratory Corporation of America, LabCorp); PubMed 15858711 (cited by Women's Health and Genetics/Laboratory Corporation of America, LabCorp).

NM_000287.4(PEX6):c.2398_2417delinsT (p.Ile800fs)

Gene: PEX6 (peroxisomal biogenesis factor 6; minus strand). Cytogenetic location: 6p21.1.
Variant type: Indel.
Coding change: c.2398_2417delinsT on transcript NM_000287.4 (MANE Select); coding-DNA positions 2398 to 2417, ATCTTCTTTGATGAACTGGA replaced by T.
Protein change: p.Ile800fs; shifts the reading frame from isoleucine 800.
Molecular consequence: frameshift variant. On other transcripts: non-coding transcript variant (1).
Genome position (GRCh38, 1-based): chr6:42,965,735-42,965,754, TCCAGTTCATCAAAGAAGAT replaced by A on the plus strand (ATCTTCTTTGATGAACTGGA replaced by T on the coding strand, the reverse complement: PEX6 is on the minus strand). VCF-style: chr6-42965735-TCCAGTTCATCAAAGAAGAT-A. GRCh37 (hg19) VCF-style: chr6-42933473-TCCAGTTCATCAAAGAAGAT-A.
Other names: c.2134_2153delinsT, p.Ile712fs (NM_001316313.2); c.2398_2417delATCTTCTTTGATGAACTGGAinsT (NM_000287.3); short protein forms I712fs, I800fs.
Identifiers: ClinVar variation 598162 (VCV000598162.17), dbSNP rs62653602, ClinGen allele CA138222418.